The following is an entry in ClinVar:

NM_001042492.3(NF1):c.1509T>C (p.Asp503=)

Gene: NF1 (neurofibromin 1; plus strand). Cytogenetic location: 17q11.2.
Variant type: single nucleotide variant.
Coding change: c.1509T>C on transcript NM_001042492.3 (MANE Select); coding-DNA position 1509, T replaced by C.
Protein change: p.Asp503=; no amino-acid change (aspartic acid 503 retained).
Molecular consequence: synonymous variant.
Genome position (GRCh38, 1-based): chr17:31,214,567, T>C. VCF-style: chr17-31214567-T-C. GRCh37 (hg19) VCF-style: chr17-29541585-T-C.
Other names: c.1509T>C, p.Asp503= (NM_001128147.3, NM_000267.4).
Identifiers: ClinVar variation 819414 (VCV000819414.16), dbSNP rs1597698493, ClinGen allele CA499225251.

ClinVar aggregate classification (germline): Conflicting classifications of pathogenicity. Review status: criteria provided, conflicting classifications (1 of 4 stars). 7 submissions from 7 submitters: Uncertain significance (1); Benign (1); Likely benign (5). Last evaluated 2026-05-15.

Conditions:
Cardiovascular phenotype. Identifiers: MedGen CN230736.
Hereditary cancer-predisposing syndrome. Also called: Neoplastic Syndromes, Hereditary; Hereditary Cancer Syndrome; Tumor predisposition; Hereditary neoplastic syndrome. Identifiers: Orphanet 140162, MedGen C0027672, MeSH D009386, MONDO:0015356.
Juvenile myelomonocytic leukemia (JMML). Also called: LEUKEMIA, JUVENILE MYELOMONOCYTIC, SOMATIC. Identifiers: Orphanet 86834, MedGen C0349639, MONDO:0011908, OMIM 607785, HP:0012209.
Neurofibromatosis, familial spinal (FSNF). Identifiers: Orphanet 636, MedGen C1834235, MONDO:0008078, OMIM 162210. Disease mechanism: loss of function.
Café-au-lait macules with pulmonary stenosis (WTSN). Also called: PULMONIC STENOSIS WITH CAFE-AU-LAIT SPOTS. Identifiers: MedGen C0553586, MONDO:0008672, OMIM 193520.
Neurofibromatosis-Noonan syndrome (NFNS). Also called: NEUROFIBROMATOSIS WITH NOONAN PHENOTYPE. Identifiers: Orphanet 638, MedGen C2931482, MONDO:0011035, OMIM 601321. Disease mechanism: loss of function.
Neurofibromatosis, type 1 (NF1). Also called: Neurofibromatosis, type I; VON RECKLINGHAUSEN DISEASE; Peripheral type neurofibromatosis; NEUROFIBROMATOSIS, TYPE I, SOMATIC. Identifiers: Orphanet 636, MedGen C0027831, MONDO:0018975, OMIM 162200. Disease mechanism: loss of function.
NF1-related disorder. Also called: NF1-related condition. Identifiers: MedGen CN379171.

Submissions (7):

Myriad Genetics, Inc.
Classification: Benign for Neurofibromatosis, type 1. Last evaluated: 2026-05-15. Review status: criteria provided, single submitter. Criteria: Myriad Autosomal Dominant, Autosomal Recessive and X-Linked Classification Criteria (2023). Collection method: clinical testing. Allele origin: unknown.
Comment: This variant is considered benign. This variant is a silent/synonymous amino acid change and it is not expected to impact splicing.

PreventionGenetics, part of Exact Sciences
Classification: Likely benign for NF1-related condition. Last evaluated: 2026-04-13. Review status: criteria provided, single submitter. Criteria: ACMG Guidelines, 2015. Collection method: clinical testing. Allele origin: germline.
Comment: This variant is classified as likely benign based on ACMG/AMP sequence variant interpretation guidelines (Richards et al. 2015 PMID: 25741868, with internal and published modifications).

Labcorp Genetics (formerly Invitae), Labcorp
Classification: Likely benign for Neurofibromatosis, type 1. Last evaluated: 2025-02-04. Review status: criteria provided, single submitter. Criteria: Invitae Variant Classification Sherloc (09022015). Collection method: clinical testing. Allele origin: germline.

Quest Diagnostics Nichols Institute San Juan Capistrano
Classification: Uncertain significance. Last evaluated: 2024-03-05. Review status: criteria provided, single submitter. Criteria: Quest Diagnostics criteria. Collection method: clinical testing. Allele origin: unknown.

Genome-Nilou Lab
Classification: Likely benign for Neurofibromatosis, type 1. Last evaluated: 2022-03-15. Review status: criteria provided, single submitter. Criteria: ACMG Guidelines, 2015. Collection method: clinical testing. Allele origin: germline. Affected: no.

Fulgent Genetics
Classification: Likely benign for Neurofibromatosis, type 1; Neurofibromatosis, familial spinal; Café-au-lait macules with pulmonary stenosis; Neurofibromatosis-Noonan syndrome; Juvenile myelomonocytic leukemia. Last evaluated: 2021-12-08. Review status: criteria provided, single submitter. Criteria: ACMG Guidelines, 2015. Collection method: clinical testing. Allele origin: unknown.

Ambry Genetics
Classification: Likely benign for Cardiovascular phenotype; Hereditary cancer-predisposing syndrome. Last evaluated: 2019-06-27. Review status: criteria provided, single submitter. Criteria: Ambry Variant Classification Scheme 2023. Collection method: clinical testing. Allele origin: germline.